The following is an entry in ClinVar:

ClinVar aggregate classification (germline): Pathogenic/Likely pathogenic. Review status: criteria provided, multiple submitters, no conflicts (2 of 4 stars). 4 submissions from 4 submitters: Pathogenic (3); Likely pathogenic (1). Last evaluated 2026-07-31.

Conditions:
Primary ciliary dyskinesia 23 (CILD23). Also called: CILIARY DYSKINESIA, PRIMARY, 23, WITH OR WITHOUT SITUS INVERSUS. Identifiers: Orphanet 244, MedGen C3809548, MONDO:0014193, OMIM 615451.
ODAD2-related disorder. Also called: ODAD2-related condition.
ARMC4-related disorders.

Allele frequency attached by ClinVar (database versions not stated): ExAC 0.00002; TOPMed 0.00002; gnomAD 0.00003; gnomAD exomes 0.00005.
gnomAD v4.1: 72 of 1,613,780 alleles (0.0045%); highest among the groups gnomAD compares: Non-Finnish European, 0.0056%; no homozygotes.

Submissions (4):

PreventionGenetics, part of Exact Sciences
Classification: Pathogenic for ODAD2-related condition. Last evaluated: 2026-07-31. Review status: criteria provided, single submitter. Criteria: ACMG Guidelines, 2015. Collection method: clinical testing. Allele origin: germline.
Comment: The ODAD2 c.1003G>T variant is predicted to result in premature protein termination (p.Glu335*). To our knowledge, this variant has not been reported in the literature. This variant is reported in 0.0047% of alleles in individuals of European (Non-Finnish) descent in gnomAD. Nonsense variants in ODAD2 are expected to be pathogenic. This variant is interpreted as pathogenic.

Victorian Clinical Genetics Services, Murdoch Childrens Research Institute
Classification: Pathogenic for Primary ciliary dyskinesia 23. Last evaluated: 2024-10-10. Review status: criteria provided, single submitter. Criteria: ACMG Guidelines, 2015. Collection method: clinical testing. Allele origin: germline. Inheritance: Autosomal recessive inheritance. Affected: yes.
Comment: Based on the classification scheme VCGS_Germline_v1.3.5, this variant is classified as Pathogenic. Following criteria are met: 0102 - Loss of function is a known mechanism of disease in this gene and is associated with ciliary dyskinesia, primary, 23 (MIM# 615451) (PMID: 23849778). (I) 0106 - This gene is associated with autosomal recessive disease. (I) 0201 - Variant is predicted to cause nonsense-mediated decay (NMD) and loss of protein (premature termination codon is located at least 54 nucleotides upstream of the final exon-exon junction). (SP) 0251 - This variant is heterozygous. (I) 0304 - Variant is present in gnomAD (v4) <0.01 for a recessive condition (72 heterozygotes, 0 homozygotes). (SP) 0701 - Other NMD variants comparable to the one identified in this case have very strong previous evidence for pathogenicity. Over ten comparable pathogenic NMD-predicted variants are present in DECIPHER. (SP) 0803 - This variant has limited previous evidence of pathogenicity in an unrelated individual. There is a single pathogenic report in ClinVar. (SP) 0905 - No published segregation evidence has been identified for this variant. (I) 1007 - No published functional evidence has been identified for this variant. (I) 1208 - Inheritance information for this variant is not currently available in this individual. (I) Legend: (SP) - Supporting pathogenic, (I) - Information, (SB) - Supporting benign

Blueprint Genetics
Classification: Likely pathogenic for ARMC4-related disorders. Last evaluated: 2024-08-28. Review status: criteria provided, single submitter. Criteria: ACMG Guidelines, 2015. Collection method: clinical testing. Allele origin: germline. Affected: yes. Observed: 5 variant alleles.

Labcorp Genetics (formerly Invitae), Labcorp
Classification: Pathogenic for Primary ciliary dyskinesia 23. Last evaluated: 2024-06-13. Review status: criteria provided, single submitter. Criteria: Invitae Variant Classification Sherloc (09022015). Collection method: clinical testing. Allele origin: germline.
Comment: This sequence change creates a premature translational stop signal (p.Glu335*) in the ARMC4 gene. It is expected to result in an absent or disrupted protein product. Loss-of-function variants in ARMC4 are known to be pathogenic (PMID: 23849778). This variant is present in population databases (rs771640361, gnomAD 0.005%). This variant has not been reported in the literature in individuals affected with ARMC4-related conditions. ClinVar contains an entry for this variant (Variation ID: 2137356). For these reasons, this variant has been classified as Pathogenic.

Literature cited by the submitters: PubMed 23849778 (cited by Victorian Clinical Genetics Services, Murdoch Childrens Research Institute and Labcorp Genetics (formerly Invitae), Labcorp).

NM_018076.5(ODAD2):c.1003G>T (p.Glu335Ter)

Gene: ODAD2 (outer dynein arm docking complex subunit 2; minus strand). Cytogenetic location: 10p12.1.
Variant type: single nucleotide variant.
Coding change: c.1003G>T on transcript NM_018076.5 (MANE Select); coding-DNA position 1003, G replaced by T.
Protein change: p.Glu335Ter; replaces glutamic acid 335 with a stop codon.
Molecular consequence: nonsense. On other transcripts: intron variant (1).
Genome position (GRCh38, 1-based): chr10:27,971,247, C>A on the plus strand (G>T on the coding strand, the complement: ODAD2 is on the minus strand). VCF-style: chr10-27971247-C-A. GRCh37 (hg19) VCF-style: chr10-28260176-C-A.
Other names: c.1003G>T, p.Glu335Ter (NM_001290020.2); c.79G>T, p.Glu27Ter (NM_001312689.2); c.-187-9532G>T (NM_001290021.2); c.1003G>T (NM_018076.4); short protein forms E27*, E335*.
Identifiers: ClinVar variation 2137356 (VCV002137356.7), dbSNP rs771640361, ClinGen allele CA5453655.